The following is an entry in ClinVar:

ClinVar aggregate classification (germline): Conflicting classifications of pathogenicity. Review status: criteria provided, conflicting classifications (1 of 4 stars). 3 submissions from 3 submitters: Pathogenic (1); Uncertain significance (2). Last evaluated 2026-04-07.

Conditions:
Fanconi anemia complementation group J. Also called: BRIP1-Related Fanconi Anemia. Identifiers: Orphanet 84, MedGen C1836860, MONDO:0012187, OMIM 609054.
Familial cancer of breast. Also called: Hereditary breast cancer; hereditary breast carcinoma; BREAST CANCER, FAMILIAL. Identifiers: Orphanet 227535, MedGen C0346153, MONDO:0016419, OMIM 114480. Disease mechanism: loss of function.
Hereditary cancer-predisposing syndrome. Also called: Tumor predisposition; Hereditary Cancer Syndrome; Hereditary neoplastic syndrome; Neoplastic Syndromes, Hereditary. Identifiers: Orphanet 140162, MedGen C0027672, MeSH D009386, MONDO:0015356.

Submissions (3):

Ambry Genetics
Classification: Uncertain significance for Hereditary cancer-predisposing syndrome. Last evaluated: 2026-04-07. Review status: criteria provided, single submitter. Criteria: Ambry Variant Classification Scheme 2023. Collection method: clinical testing. Allele origin: germline.
Comment: The c.2899delG variant, located in coding exon 18 of the BRIP1 gene, results from a deletion of one nucleotide at nucleotide position 2899, causing a translational frameshift with a predicted alternate stop codon (p.E967Rfs*18). This alteration occurs at the 3' terminus of theBRIP1 gene, is not expected to trigger nonsense-mediated mRNAdecay, and only impacts the last 22.6% of the protein. The exact functional effect of this alteration is unknown. Since supporting evidence is limited at this time, the clinical significance of this alteration remains unclear.

Labcorp Genetics (formerly Invitae), Labcorp
Classification: Uncertain significance for Familial cancer of breast; Fanconi anemia complementation group J. Last evaluated: 2025-07-17. Review status: criteria provided, single submitter. Criteria: Invitae Variant Classification Sherloc (09022015). Collection method: clinical testing. Allele origin: germline.
Comment: This sequence change creates a premature translational stop signal (p.Glu967Argfs*18) in the BRIP1 gene. While this is not anticipated to result in nonsense mediated decay, it is expected to disrupt the last 283 amino acid(s) of the BRIP1 protein. This variant is not present in population databases (gnomAD no frequency). This variant has not been reported in the literature in individuals affected with BRIP1-related conditions. ClinVar contains an entry for this variant (Variation ID: 2140829). In summary, the available evidence is currently insufficient to determine the role of this variant in disease. Therefore, it has been classified as a Variant of Uncertain Significance.

Myriad Genetics, Inc.
Classification: Pathogenic for Familial cancer of breast. Last evaluated: 2023-03-15. Review status: criteria provided, single submitter. Criteria: Myriad Autosomal Dominant, Autosomal Recessive and X-Linked Classification Criteria (2023). Collection method: clinical testing. Allele origin: unknown.
Comment: This variant is considered pathogenic. This variant creates a frameshift predicted to result in premature protein truncation.

NM_032043.3(BRIP1):c.2899del (p.Glu967fs)

Gene: BRIP1 (BRCA1 interacting DNA helicase 1; minus strand). Cytogenetic location: 17q23.2.
Variant type: Deletion.
Coding change: c.2899del on transcript NM_032043.3 (MANE Select); coding-DNA position 2899, one base deleted (G; older notation c.2899delG).
Protein change: p.Glu967fs; shifts the reading frame from glutamic acid 967.
Molecular consequence: frameshift variant.
Genome position (GRCh38, 1-based): chr17:61,685,842, C deleted on the plus strand (G on the coding strand, the reverse complement: BRIP1 is on the minus strand); the first of 2 consecutive C bases (chr17:61,685,842-61,685,843); deleting either gives the same sequence. VCF-style (leftmost placement, unchanged base first): chr17-61685841-TC-T. GRCh37 (hg19) VCF-style: chr17-59763202-TC-T.
Other names: c.2899delG (NM_032043.2); short protein forms E967fs.
Identifiers: ClinVar variation 2140829 (VCV002140829.8), dbSNP rs2061351777, ClinGen allele CA985254128.